The following is an entry in ClinVar:

ClinVar aggregate classification (germline): Uncertain significance (1 of 4 stars; one submission).

Conditions:
Saldino-Mainzer syndrome (SRTD9). Also called: CONORENAL SYNDROME; Renal dysplasia, retinal pigmentary dystrophy, cerebellar ataxia and skeletal dysplasia; SHORT-RIB THORACIC DYSPLASIA 9 WITHOUT POLYDACTYLY; short-rib thoracic dysplasia 9 with or without polydactyly. Identifiers: Orphanet 140969, MedGen C1849437, MONDO:0009964, OMIM 266920.

Submission:

Labcorp Genetics (formerly Invitae), Labcorp
Classification: Uncertain significance for Saldino-Mainzer syndrome. Last evaluated: 2021-07-26. Review status: criteria provided, single submitter. Criteria: Invitae Variant Classification Sherloc (09022015). Collection method: clinical testing. Allele origin: germline.
Comment: This variant is not present in population databases (ExAC no frequency). This sequence change replaces alanine with threonine at codon 1319 of the IFT140 protein (p.Ala1319Thr). The alanine residue is weakly conserved and there is a small physicochemical difference between alanine and threonine. In summary, the available evidence is currently insufficient to determine the role of this variant in disease. Therefore, it has been classified as a Variant of Uncertain Significance. Algorithms developed to predict the effect of missense changes on protein structure and function output the following: SIFT: "Tolerated"; PolyPhen-2: "Benign"; Align-GVGD: "Class C0". The threonine amino acid residue is found in multiple mammalian species, which suggests that this missense change does not adversely affect protein function. This variant has not been reported in the literature in individuals affected with IFT140-related conditions.

NM_014714.4(IFT140):c.3955G>A (p.Ala1319Thr)

Gene: IFT140 (intraflagellar transport 140; minus strand). Cytogenetic location: 16p13.3.
Variant type: single nucleotide variant.
Coding change: c.3955G>A on transcript NM_014714.4 (MANE Select); coding-DNA position 3955, G replaced by A.
Protein change: p.Ala1319Thr; replaces alanine 1319 with threonine.
Molecular consequence: missense variant.
Genome position (GRCh38, 1-based): chr16:1,519,966, C>T on the plus strand (G>A on the coding strand, the complement: IFT140 is on the minus strand). VCF-style: chr16-1519966-C-T. GRCh37 (hg19) VCF-style: chr16-1569967-C-T.
Other names: short protein forms A1319T.
Identifiers: ClinVar variation 1407502 (VCV001407502.6), dbSNP rs2141142844, ClinGen allele CA394224037.